The following is an entry in ClinVar:

ClinVar aggregate classification (germline): Uncertain significance. Review status: criteria provided, single submitter (1 of 4 stars). 2 submissions from 2 submitters: Uncertain significance (1). 1 of the submissions does not count toward it. Last evaluated 2024-02-19.

Conditions:
Kabuki syndrome 1 (KABUK1). Also called: KMT2D-Related Kabuki Syndrome. Identifiers: Orphanet 2322, MedGen CN030661, MONDO:0007843, OMIM 147920.
Choanal atresia-athelia-hypothyroidism-delayed puberty-short stature syndrome (BCAHH). Also called: BRANCHIAL ARCH ABNORMALITIES, CHOANAL ATRESIA, ATHELIA, HEARING LOSS, AND HYPOTHYROIDISM SYNDROME. Identifiers: Orphanet 589856, MedGen C5680310, MONDO:0035651, OMIM 620186.
KMT2D-related disorder. Also called: KMT2D-Related Disorders.

gnomAD v4.1: 3 of 1,613,770 alleles (0.00019%); highest among the groups gnomAD compares: Non-Finnish European, 0.00025%; no homozygotes.

Submissions (2):

Fulgent Genetics
Classification: Uncertain significance for Kabuki syndrome 1; Choanal atresia-athelia-hypothyroidism-delayed puberty-short stature syndrome. Last evaluated: 2024-02-19. Review status: criteria provided, single submitter. Criteria: ACMG Guidelines, 2015. Collection method: clinical testing. Allele origin: germline.

PreventionGenetics, part of Exact Sciences
Classification: Uncertain significance for KMT2D-related condition. Last evaluated: 2024-06-16. Review status: no assertion criteria provided. Collection method: clinical testing. Allele origin: germline. Not counted in ClinVar's aggregate classification.
Comment: The KMT2D c.5077C>T variant is predicted to result in the amino acid substitution p.Arg1693Trp. To our knowledge, this variant has not been reported in the literature or in a large population database, indicating this variant is rare. At this time, the clinical significance of this variant is uncertain due to the absence of conclusive functional and genetic evidence.

NM_003482.4(KMT2D):c.5077C>T (p.Arg1693Trp)

Gene: KMT2D (lysine methyltransferase 2D; minus strand). Cytogenetic location: 12q13.12.
Variant type: single nucleotide variant.
Coding change: c.5077C>T on transcript NM_003482.4 (MANE Select); coding-DNA position 5077, C replaced by T.
Protein change: p.Arg1693Trp; replaces arginine 1693 with tryptophan.
Molecular consequence: missense variant.
Genome position (GRCh38, 1-based): chr12:49,044,409, G>A on the plus strand (C>T on the coding strand, the complement: KMT2D is on the minus strand). VCF-style: chr12-49044409-G-A. GRCh37 (hg19) VCF-style: chr12-49438192-G-A.
Other names: short protein forms R1693W.
Identifiers: ClinVar variation 3355110 (VCV003355110.2).